The following is an entry in ClinVar:

NM_213599.3(ANO5):c.412G>T (p.Glu138Ter)

Gene: ANO5 (anoctamin 5; plus strand). Cytogenetic location: 11p14.3.
Variant type: single nucleotide variant.
Coding change: c.412G>T on transcript NM_213599.3 (MANE Select); coding-DNA position 412, G replaced by T.
Protein change: p.Glu138Ter; replaces glutamic acid 138 with a stop codon.
Molecular consequence: nonsense.
Genome position (GRCh38, 1-based): chr11:22,227,350, G>T. VCF-style: chr11-22227350-G-T. GRCh37 (hg19) VCF-style: chr11-22248896-G-T.
Other names: c.409G>T, p.Glu137Ter (NM_001142649.2); short protein forms E138*, E137*.
Identifiers: ClinVar variation 468828 (VCV000468828.6), dbSNP rs1554924356, ClinGen allele CA379919451.
Genomic context (GRCh38, chr11:22,227,350, plus strand): 5'-TTTTTAATGCAGGACTCGGAAGATGGAAGAACTTATTTTGTCAAGATCCATGCCCCTTGG[G>T]AGGTATTAGTTACCTATGCTGAAGTCTTGGGAATCAAAATGCCTATTAAGGAGAGTGATA-3'

ClinVar aggregate classification (germline): Pathogenic (1 of 4 stars; one submission).

Conditions:
Autosomal recessive limb-girdle muscular dystrophy type 2L (LGMDR12). Also called: Limb-Girdle Muscular Dystrophy R12 Anoctamin-5-Related (LGMD-R12); Limb-girdle muscular dystrophy, type 2L; MUSCULAR DYSTROPHY, LIMB-GIRDLE, AUTOSOMAL RECESSIVE 12. Identifiers: Orphanet 206549, MedGen C1969785, MONDO:0012652, OMIM 611307.
Gnathodiaphyseal dysplasia (GDD). Also called: GNATHODIAPHYSEAL SCLEROSIS; OSTEOGENESIS IMPERFECTA WITH UNUSUAL SKELETAL LESIONS. Identifiers: Orphanet 53697, MedGen C1833736, MONDO:0008151, OMIM 166260.

gnomAD v4.1: 1 of 1,613,374 alleles (0.000062%); highest among the groups gnomAD compares: Non-Finnish European, 0.000085%; no homozygotes.

Submission:

Labcorp Genetics (formerly Invitae), Labcorp
Classification: Pathogenic for Autosomal recessive limb-girdle muscular dystrophy type 2L; Gnathodiaphyseal dysplasia. Last evaluated: 2020-01-15. Review status: criteria provided, single submitter. Criteria: Invitae Variant Classification Sherloc (09022015). Collection method: clinical testing. Allele origin: germline.
Comment: This variant has not been reported in the literature in individuals with ANO5-related conditions. ClinVar contains an entry for this variant (Variation ID: 468828). Algorithms developed to predict the effect of sequence changes on RNA splicing suggest that this variant may create or strengthen a splice site, but this prediction has not been confirmed by published transcriptional studies. Loss-of-function variants in ANO5 are known to be pathogenic (PMID: 21186264, 23606453, 25891276). For these reasons, this variant has been classified as Pathogenic. This variant is not present in population databases (ExAC no frequency). This sequence change creates a premature translational stop signal (p.Glu138*) in the ANO5 gene. It is expected to result in an absent or disrupted protein product.

Literature cited by the submitters: PubMed 21186264; PubMed 23606453; PubMed 25891276.